The following is an entry in ClinVar:

NM_000804.4(FOLR3):c.-6-21_8del

Gene: FOLR3 (folate receptor gamma; plus strand). Cytogenetic location: 11q13.4.
Variant type: Deletion.
Coding change: c.-6-21_8del on transcript NM_000804.4 (MANE Select); 21 bases into the intron before 6 bases upstream of the start codon through coding-DNA position 8, 35 bases deleted.
Molecular consequence: splice acceptor variant, initiator codon variant.
Genome position (GRCh38, 1-based): chr11:72,135,926-72,135,960, 35 bases deleted; deleting any 35 consecutive bases within chr11:72,135,925-72,135,960 gives the same sequence; the c. name uses the placement nearest the transcript's 3' end. GRCh37 (hg19): chr11:71,846,972-71,847,006.
Identifiers: ClinVar variation 3053790 (VCV003053790.2), dbSNP rs541632103, ClinGen allele CA6168807.
Genomic context (GRCh38, chr11:72,135,924, plus strand): 5'-CCTGGGAGGGAGAGAGTACACAATCACATGGCTGTTGCCCCTGTCTCAGGCCTTGTCTAC[CTCTGACTGTGGCTCTCTGGCAGGAATAGATGGACA>C]TGGCCTGGCAGATGATGCAGCTGCTGCTTCTGGCTTTGGTGACTGCTGCGGGGAGTGCCC-3'

ClinVar aggregate classification (germline): Likely benign (0 of 4 stars; one submission).

Conditions:
FOLR3-related disorder. Also called: FOLR3-related condition.

Submission:

PreventionGenetics, part of Exact Sciences
Classification: Likely benign for FOLR3-related condition. Last evaluated: 2019-05-08. Review status: no assertion criteria provided. Collection method: clinical testing. Allele origin: germline.
Comment: This variant is classified as likely benign based on ACMG/AMP sequence variant interpretation guidelines (Richards et al. 2015 PMID: 25741868, with internal and published modifications).